The following is an entry in ClinVar:

NM_001080472.4(FITM2):c.103G>A (p.Gly35Ser)

Gene: FITM2 (fat storage inducing transmembrane protein 2; minus strand). Cytogenetic location: 20q13.12.
Variant type: single nucleotide variant.
Coding change: c.103G>A on transcript NM_001080472.4 (MANE Select); coding-DNA position 103, G replaced by A.
Protein change: p.Gly35Ser; replaces glycine 35 with serine.
Molecular consequence: missense variant.
Genome position (GRCh38, 1-based): chr20:44,311,046, C>T on the plus strand (G>A on the coding strand, the complement: FITM2 is on the minus strand). VCF-style: chr20-44311046-C-T. GRCh37 (hg19) VCF-style: chr20-42939686-C-T.
Other names: short protein forms G35S.
Identifiers: ClinVar variation 4975383 (VCV004975383.1).
Genomic context (GRCh38, chr20:44,311,046, plus strand): 5'-CGTTGCGCTTGTTGCTGAGGTAGCTCTCGGGCAACGGGGACAACTCCTTGAGGAGGGAGC[C>T]CGCCAGCATGGAGGCCACCAGGGCCCAGGGCAGGTAGCGCCGCACGGCCGCCCGCACCAG-3'
Protein context (NP_001073941.1, residues 25-45): PWALVASMLA[Gly35Ser]SLLKELSPLP

ClinVar aggregate classification (germline): Uncertain significance (1 of 4 stars; one submission).

gnomAD v4.1: 2 of 1,601,570 alleles (0.00012%); highest among the groups gnomAD compares: Non-Finnish European, 0.000085%; no homozygotes.

Submission:

GeneDx
Classification: Uncertain significance. Last evaluated: 2026-01-22. Review status: criteria provided, single submitter. Criteria: GeneDx Variant Classification Process June 2021. Collection method: clinical testing. Allele origin: germline.
Comment: Not observed at significant frequency in large population cohorts (gnomAD); In silico analysis supports that this missense variant has a deleterious effect on protein structure/function; Has not been previously published as pathogenic or benign to our knowledge